The following is an entry in ClinVar:

ClinVar aggregate classification (germline): Conflicting classifications of pathogenicity. Review status: criteria provided, conflicting classifications (1 of 4 stars). 4 submissions from 4 submitters: Uncertain significance (3); Likely benign (1). Last evaluated 2025-11-27.

Conditions:
Cardiovascular phenotype. Identifiers: MedGen CN230736.
Noonan syndrome 9 (NS9). Identifiers: Orphanet 648, MedGen C4225282, MONDO:0014691, OMIM 616559.

Allele frequency attached by ClinVar (database versions not stated): ExAC 0.00002; gnomAD exomes 0.00003 and 0.00008; gnomAD 0.00004; TOPMed 0.00004; ESP Exome Variant Server 0.00023.
gnomAD v4.1: 120 of 1,612,760 alleles (0.0074%); highest among the groups gnomAD compares: Non-Finnish European, 0.0095%; 1 homozygote.

Submissions (4):

Labcorp Genetics (formerly Invitae), Labcorp
Classification: Likely benign for Noonan syndrome 9. Last evaluated: 2025-11-27. Review status: criteria provided, single submitter. Criteria: Invitae Variant Classification Sherloc (09022015). Collection method: clinical testing. Allele origin: germline.

Ambry Genetics
Classification: Uncertain significance for Cardiovascular phenotype. Last evaluated: 2025-01-19. Review status: criteria provided, single submitter. Criteria: Ambry Variant Classification Scheme 2023. Collection method: clinical testing. Allele origin: germline.
Comment: The p.A86V variant (also known as c.257C>T), located in coding exon 3 of the SOS2 gene, results from a C to T substitution at nucleotide position 257. The alanine at codon 86 is replaced by valine, an amino acid with similar properties. This amino acid position is conserved. In addition, this alteration is predicted to be deleterious by in silico analysis. Since supporting evidence is limited at this time, the clinical significance of this alteration remains unclear.

Fulgent Genetics
Classification: Uncertain significance for Noonan syndrome 9. Last evaluated: 2021-09-07. Review status: criteria provided, single submitter. Criteria: ACMG Guidelines, 2015. Collection method: clinical testing. Allele origin: unknown.

Genome-Nilou Lab
Classification: Uncertain significance for Noonan syndrome 9. Review status: criteria provided, single submitter. Criteria: ACMG Guidelines, 2015. Collection method: clinical testing. Allele origin: germline.

NM_006939.4(SOS2):c.257C>T (p.Ala86Val)

Gene: SOS2 (SOS Ras/Rho guanine nucleotide exchange factor 2; minus strand). Cytogenetic location: 14q21.3.
Variant type: single nucleotide variant.
Coding change: c.257C>T on transcript NM_006939.4 (MANE Select); coding-DNA position 257, C replaced by T.
Protein change: p.Ala86Val; replaces alanine 86 with valine.
Molecular consequence: missense variant.
Genome position (GRCh38, 1-based): chr14:50,201,041, G>A on the plus strand (C>T on the coding strand, the complement: SOS2 is on the minus strand). VCF-style: chr14-50201041-G-A. GRCh37 (hg19) VCF-style: chr14-50667759-G-A.
Other names: short protein forms A86V.
Identifiers: ClinVar variation 647039 (VCV000647039.11), dbSNP rs146272145, ClinGen allele CA7177572.